The following is an entry in ClinVar:

NM_032119.4(ADGRV1):c.14291T>A (p.Phe4764Tyr)

Gene: ADGRV1 (adhesion G protein-coupled receptor V1; plus strand). Cytogenetic location: 5q14.3.
Variant type: single nucleotide variant.
Coding change: c.14291T>A on transcript NM_032119.4 (MANE Select); coding-DNA position 14291, T replaced by A.
Protein change: p.Phe4764Tyr; replaces phenylalanine 4764 with tyrosine.
Molecular consequence: missense variant. On other transcripts: non-coding transcript variant (1).
Genome position (GRCh38, 1-based): chr5:90,791,120, T>A. VCF-style: chr5-90791120-T-A. GRCh37 (hg19) VCF-style: chr5-90086937-T-A.
Other names: short protein forms F4764Y.
Identifiers: ClinVar variation 3354548 (VCV003354548.1).

ClinVar aggregate classification (germline): Uncertain significance (0 of 4 stars; one submission).

Conditions:
ADGRV1-related disorder. Also called: ADGRV1-related disorders; ADGRV1-related condition.

Submission:

PreventionGenetics, part of Exact Sciences
Classification: Uncertain significance for ADGRV1-related condition. Last evaluated: 2024-07-26. Review status: no assertion criteria provided. Collection method: clinical testing. Allele origin: germline.
Comment: The ADGRV1 c.14291T>A variant is predicted to result in the amino acid substitution p.Phe4764Tyr. To our knowledge, this variant has not been reported in the literature or in a large population database, indicating this variant is rare. At this time, the clinical significance of this variant is uncertain due to the absence of conclusive functional and genetic evidence.